The following is an entry in ClinVar:

ClinVar aggregate classification (germline): Uncertain significance. Review status: criteria provided, single submitter (1 of 4 stars). 2 submissions from 2 submitters: Uncertain significance (1). 1 of the submissions does not count toward it. Last evaluated 2025-11-09.

Conditions:
ELANE-related disorder. Also called: ELANE-related condition.
Inborn genetic diseases. Identifiers: MedGen C0950123, MeSH D030342.

gnomAD v4.1: 3 of 1,610,116 alleles (0.00019%); highest among the groups gnomAD compares: African/African-American, 0.004%; no homozygotes.

Submissions (2):

Ambry Genetics
Classification: Uncertain significance for Inborn genetic diseases. Last evaluated: 2025-11-09. Review status: criteria provided, single submitter. Criteria: Ambry Variant Classification Scheme 2023. Collection method: clinical testing. Allele origin: germline.
Comment: The p.R5G variant (also known as c.13C>G), located in coding exon 1 of the ELANE gene, results from a C to G substitution at nucleotide position 13. The arginine at codon 5 is replaced by glycine, an amino acid with dissimilar properties. This amino acid position is conserved. In addition, this alteration is predicted to be tolerated by in silico analysis. Based on the available evidence, the clinical significance of this variant remains unclear.

PreventionGenetics, part of Exact Sciences
Classification: Uncertain significance for ELANE-related condition. Last evaluated: 2024-08-02. Review status: no assertion criteria provided. Collection method: clinical testing. Allele origin: germline. Not counted in ClinVar's aggregate classification.
Comment: The ELANE c.13C>G variant is predicted to result in the amino acid substitution p.Arg5Gly. To our knowledge, this variant has not been reported in the literature. This variant is reported in 0.011% of alleles in individuals of African descent in gnomAD. At this time, the clinical significance of this variant is uncertain due to the absence of conclusive functional and genetic evidence.

NM_001972.4(ELANE):c.13C>G (p.Arg5Gly)

Gene: ELANE (elastase, neutrophil expressed; plus strand). Cytogenetic location: 19p13.3.
Variant type: single nucleotide variant.
Coding change: c.13C>G on transcript NM_001972.4 (MANE Select); coding-DNA position 13, C replaced by G.
Protein change: p.Arg5Gly; replaces arginine 5 with glycine.
Molecular consequence: missense variant.
Genome position (GRCh38, 1-based): chr19:852,341, C>G. VCF-style: chr19-852341-C-G. GRCh37 (hg19) VCF-style: chr19-852341-C-G.
Other names: short protein forms R5G.
Identifiers: ClinVar variation 3353408 (VCV003353408.2).
Genomic context (GRCh38, chr19:852,341, plus strand): 5'-AGCCGGGCGGGCACGGAGGGGCAGAGACCCCGGAGCCCCAGCCCCACCATGACCCTCGGC[C>G]GCCGACTCGCGTGTCTTTTCCTCGCCTGTGTCCTGCCGGCCTTGCTGCTGGGGGGTGAGT-3'
Protein context (NP_001963.1, residues 1-15): MTLG[Arg5Gly]RLACLFLACV